The following is an entry in ClinVar:

ClinVar aggregate classification (germline): Likely pathogenic. Review status: criteria provided, multiple submitters, no conflicts (2 of 4 stars). 5 submissions from 5 submitters: Likely pathogenic (4). 1 of the submissions does not count toward it. Last evaluated 2026-08-27.

Conditions:
Retinitis pigmentosa 4 (RP4). Also called: RETINITIS PIGMENTOSA, RHODOPSIN-RELATED. Identifiers: Orphanet 791, MedGen C3151001, MONDO:0013395, OMIM 613731.
Retinal disorder. Also called: Retinopathy; Retinopathies; Retinal Diseases; Retinal disorders. Identifiers: MedGen C0035309, MONDO:0005283, HP:0000488.
RHO-related disorder. Also called: RHO-related condition.

Submissions (5):

North West Genomic Laboratory Hub, Manchester University NHS Foundation Trust
Classification: Likely pathogenic for Retinal disorders. Last evaluated: 2026-08-27. Review status: criteria provided, single submitter. Criteria: ACGS Best Practice Guidelines for Variant Classification in Rare Disease 2024. Collection method: clinical testing. Allele origin: germline. Affected: yes.
Comment: PM2_Mod PS3_Supp PM5_Mod PS4_Supp PP3_Supp

Labcorp Genetics (formerly Invitae), Labcorp
Classification: Likely pathogenic. Last evaluated: 2025-01-20. Review status: criteria provided, single submitter. Criteria: Invitae Variant Classification Sherloc (09022015). Collection method: clinical testing. Allele origin: germline.
Comment: This sequence change replaces proline, which is neutral and non-polar, with threonine, which is neutral and polar, at codon 180 of the RHO protein (p.Pro180Thr). This variant is not present in population databases (gnomAD no frequency). This missense change has been observed in individual(s) with autosomal dominant RHO-related conditions (PMID: 32037395). ClinVar contains an entry for this variant (Variation ID: 625303). Invitae Evidence Modeling of protein sequence and biophysical properties (such as structural, functional, and spatial information, amino acid conservation, physicochemical variation, residue mobility, and thermodynamic stability) indicates that this missense variant is expected to disrupt RHO protein function with a positive predictive value of 95%. Experimental studies have shown that this missense change affects RHO function (PMID: 30977563). This variant disrupts the p.Pro180 amino acid residue in RHO. Other variant(s) that disrupt this residue have been determined to be pathogenic (PMID: 11139241, 17014888; internal data). This suggests that this residue is clinically significant, and that variants that disrupt this residue are likely to be disease-causing. In summary, the currently available evidence indicates that the variant is pathogenic, but additional data are needed to prove that conclusively. Therefore, this variant has been classified as Likely Pathogenic.

Centre for Genomic Medicine, Manchester, Central Manchester University Hospitals
Classification: Likely pathogenic for Retinitis pigmentosa 4. Last evaluated: 2020-09-01. Review status: criteria provided, single submitter. Criteria: ACMG Guidelines, 2015. Collection method: clinical testing. Allele origin: germline. Affected: yes. Observed: 1 heterozygote.

Blueprint Genetics
Classification: Likely pathogenic for RHO-related disorders. Last evaluated: 2020-04-29. Review status: criteria provided, single submitter. Criteria: ACMG Guidelines, 2015. Collection method: clinical testing. Allele origin: germline. Affected: yes. Observed: 1 variant allele.

Ocular Genomics Institute, Massachusetts Eye and Ear
Classification: Pathogenic for Retinitis pigmentosa 4. Last evaluated: 2019-01-09. Review status: no assertion criteria provided. Collection method: research. Allele origin: germline. Affected: yes. Not counted in ClinVar's aggregate classification.

Literature cited by the submitters: PubMed 32037395 (cited by Labcorp Genetics (formerly Invitae), Labcorp); PubMed 30977563 (cited by Labcorp Genetics (formerly Invitae), Labcorp); PubMed 11139241 (cited by Labcorp Genetics (formerly Invitae), Labcorp); PubMed 17014888 (cited by Labcorp Genetics (formerly Invitae), Labcorp).

NM_000539.3(RHO):c.538C>A (p.Pro180Thr)

Gene: RHO (rhodopsin; plus strand). Cytogenetic location: 3q22.1.
Variant type: single nucleotide variant.
Coding change: c.538C>A on transcript NM_000539.3 (MANE Select); coding-DNA position 538, C replaced by A.
Protein change: p.Pro180Thr; replaces proline 180 with threonine.
Molecular consequence: missense variant.
Genome position (GRCh38, 1-based): chr3:129,532,258, C>A. VCF-style: chr3-129532258-C-A. GRCh37 (hg19) VCF-style: chr3-129251101-C-A.
Other names: short protein forms P180T.
Identifiers: ClinVar variation 625303 (VCV000625303.6), dbSNP rs1560046837, ClinGen allele CA354499098.